The following is an entry in ClinVar:

ClinVar aggregate classification (germline): Uncertain significance. Review status: criteria provided, single submitter (1 of 4 stars). 2 submissions from 2 submitters: Uncertain significance (1). 1 of the submissions does not count toward it. Last evaluated 2022-10-24.

Conditions:
Ornithine aminotransferase deficiency (GACR). Also called: OKT DEFICIENCY; Ornithine ketoacid aminotransferase deficiency; Gyrate atrophy; Gyrate atrophy of choroid and retina; Girate atrophy of the retina; HYPERORNITHINEMIA WITH GYRATE ATROPHY OF CHOROID AND RETINA. Identifiers: Orphanet 414, MedGen C0018425, MONDO:0009796, OMIM 258870.

Allele frequency attached by ClinVar (database versions not stated): gnomAD exomes 0.00001 and 0.00002; TOPMed 0.00001; ExAC 0.00004.
gnomAD v4.1: 20 of 1,605,862 alleles (0.0012%); highest among the groups gnomAD compares: Non-Finnish European, 0.0016%; no homozygotes.

Submissions (2):

Labcorp Genetics (formerly Invitae), Labcorp
Classification: Uncertain significance for Ornithine aminotransferase deficiency. Last evaluated: 2022-10-24. Review status: criteria provided, single submitter. Criteria: Invitae Variant Classification Sherloc (09022015). Collection method: clinical testing. Allele origin: germline.
Comment: This sequence change replaces isoleucine, which is neutral and non-polar, with valine, which is neutral and non-polar, at codon 68 of the OAT protein (p.Ile68Val). This variant is present in population databases (rs766674632, gnomAD 0.005%). This variant has not been reported in the literature in individuals affected with OAT-related conditions. ClinVar contains an entry for this variant (Variation ID: 1009390). Algorithms developed to predict the effect of missense changes on protein structure and function output the following: SIFT: "Tolerated"; PolyPhen-2: "Benign"; Align-GVGD: "Class C0". The valine amino acid residue is found in multiple mammalian species, which suggests that this missense change does not adversely affect protein function. In summary, the available evidence is currently insufficient to determine the role of this variant in disease. Therefore, it has been classified as a Variant of Uncertain Significance.

Natera, Inc.
Classification: Uncertain significance for Gyrate atrophy. Last evaluated: 2020-12-15. Review status: no assertion criteria provided. Collection method: clinical testing. Allele origin: germline. Not counted in ClinVar's aggregate classification.

NM_000274.4(OAT):c.202A>G (p.Ile68Val)

Gene: OAT (ornithine aminotransferase; minus strand). Cytogenetic location: 10q26.13.
Variant type: single nucleotide variant.
Coding change: c.202A>G on transcript NM_000274.4 (MANE Select); coding-DNA position 202, A replaced by G.
Protein change: p.Ile68Val; replaces isoleucine 68 with valine.
Molecular consequence: missense variant. On other transcripts: 5 prime UTR variant (2), intron variant (1).
Genome position (GRCh38, 1-based): chr10:124,408,963, T>C on the plus strand (A>G on the coding strand, the complement: OAT is on the minus strand). VCF-style: chr10-124408963-T-C. GRCh37 (hg19) VCF-style: chr10-126097532-T-C.
Other names: c.-213A>G (NM_001171814.2); c.202A>G, p.Ile68Val (NM_001322965.2, NM_001322966.2, NM_001322967.2 and 3 more transcripts); c.-513A>G (NM_001322974.2); c.199+3010A>G (NM_001322971.2); short protein forms I68V.
Identifiers: ClinVar variation 1009390 (VCV001009390.9), dbSNP rs766674632, ClinGen allele CA5733576.